The following is an entry in ClinVar:

ClinVar aggregate classification (germline): Benign. Review status: criteria provided, multiple submitters, no conflicts (2 of 4 stars). 3 submissions from 3 submitters: Benign (3). Last evaluated 2025-07-01.

Allele frequency attached by ClinVar (database versions not stated): 1000 Genomes Project 0.00280; 1000 Genomes Project 30x 0.00297; TOPMed 0.00676; ESP Exome Variant Server 0.00807; gnomAD 0.00827 and 0.00850; gnomAD exomes 0.00883 and 0.00933; ExAC 0.00915.
gnomAD v4.1: 14,973 of 1,614,094 alleles (0.93%); highest among the groups gnomAD compares: Non-Finnish European, 1%; 93 homozygotes.

Submissions (3):

CeGaT Center for Human Genetics Tuebingen
Classification: Benign. Last evaluated: 2025-07-01. Review status: criteria provided, single submitter. Criteria: CeGaT Center For Human Genetics Tuebingen Variant Classification Criteria Version 2. Collection method: clinical testing. Allele origin: germline. Affected: yes. Observed: 1 variant allele.
Comment: PRKCQ: BP4, BP7, BS1, BS2

Labcorp Genetics (formerly Invitae), Labcorp
Classification: Benign. Last evaluated: 2018-09-12. Review status: criteria provided, single submitter. Criteria: Invitae Variant Classification Sherloc (09022015). Collection method: clinical testing. Allele origin: germline.

Breakthrough Genomics
Classification: Benign. Review status: criteria provided, single submitter. Criteria: ACMG Guidelines, 2015. Collection method: not provided. Allele origin: germline. Inheritance: Unknown mechanism. Affected: yes.

NM_006257.5(PRKCQ):c.1326G>A (p.Thr442=)

Gene: PRKCQ (protein kinase C theta; minus strand). Cytogenetic location: 10p15.1.
Variant type: single nucleotide variant.
Coding change: c.1326G>A on transcript NM_006257.5 (MANE Select); coding-DNA position 1326, G replaced by A.
Protein change: p.Thr442=; no amino-acid change (threonine 442 retained).
Molecular consequence: synonymous variant.
Genome position (GRCh38, 1-based): chr10:6,479,019, C>T on the plus strand (G>A on the coding strand, the complement: PRKCQ is on the minus strand). VCF-style: chr10-6479019-C-T. GRCh37 (hg19) VCF-style: chr10-6520981-C-T.
Other names: c.1326G>A, p.Thr442= (NM_001323265.1, NM_001242413.2); c.1218G>A, p.Thr406= (NM_001282644.2, NM_001323267.2); c.951G>A, p.Thr317= (NM_001282645.1, NM_001323266.2).
Identifiers: ClinVar variation 784651 (VCV000784651.12), dbSNP rs17301189, ClinGen allele CA5399247.